The following is an entry in ClinVar:

ClinVar aggregate classification (germline): Uncertain significance. Review status: criteria provided, multiple submitters, no conflicts (2 of 4 stars). 2 submissions from 2 submitters: Uncertain significance (2). Last evaluated 2025-12-01.

Allele frequency attached by ClinVar (database versions not stated): gnomAD exomes 0.00001.
gnomAD v4.1: 3 of 1,613,830 alleles (0.00019%); highest among the groups gnomAD compares: Non-Finnish European, 0.00025%; no homozygotes.

Submissions (2):

CeGaT Center for Human Genetics Tuebingen
Classification: Uncertain significance. Last evaluated: 2025-12-01. Review status: criteria provided, single submitter. Criteria: CeGaT Center For Human Genetics Tuebingen Variant Classification Criteria Version 2. Collection method: clinical testing. Allele origin: germline. Affected: yes. Observed: 1 variant allele.
Comment: POLR3B: PM2, PP3

Labcorp Genetics (formerly Invitae), Labcorp
Classification: Uncertain significance. Last evaluated: 2022-08-24. Review status: criteria provided, single submitter. Criteria: Invitae Variant Classification Sherloc (09022015). Collection method: clinical testing. Allele origin: germline.
Comment: This sequence change replaces alanine, which is neutral and non-polar, with threonine, which is neutral and polar, at codon 61 of the POLR3B protein (p.Ala61Thr). This variant is present in population databases (no rsID available, gnomAD 0.0009%). This variant has not been reported in the literature in individuals affected with POLR3B-related conditions. Algorithms developed to predict the effect of missense changes on protein structure and function are either unavailable or do not agree on the potential impact of this missense change (SIFT: "Deleterious"; PolyPhen-2: "Possibly Damaging"; Align-GVGD: "Class C0"). In summary, the available evidence is currently insufficient to determine the role of this variant in disease. Therefore, it has been classified as a Variant of Uncertain Significance.

NM_018082.6(POLR3B):c.181G>A (p.Ala61Thr)

Gene: POLR3B (RNA polymerase III subunit B; plus strand). Cytogenetic location: 12q23.3.
Variant type: single nucleotide variant.
Coding change: c.181G>A on transcript NM_018082.6 (MANE Select); coding-DNA position 181, G replaced by A.
Protein change: p.Ala61Thr; replaces alanine 61 with threonine.
Molecular consequence: missense variant.
Genome position (GRCh38, 1-based): chr12:106,366,676, G>A. VCF-style: chr12-106366676-G-A. GRCh37 (hg19) VCF-style: chr12-106760454-G-A.
Other names: c.7G>A, p.Ala3Thr (NM_001160708.2); short protein forms A3T, A61T.
Identifiers: ClinVar variation 1901358 (VCV001901358.10), dbSNP rs1323821679, ClinGen allele CA386385512.